The following is an entry in ClinVar:

ClinVar aggregate classification (germline): Uncertain significance. Review status: criteria provided, multiple submitters, no conflicts (2 of 4 stars). 2 submissions from 2 submitters: Uncertain significance (2). Last evaluated 2026-06-16.

Conditions:
Nephronophthisis. Also called: Juvenile Nephronophthisis. Identifiers: Orphanet 655, MedGen C0687120, MONDO:0019005, HP:0000090.
Joubert syndrome. Also called: Familial aplasia of the vermis; JOUBERT-BOLTSHAUSER SYNDROME. Identifiers: Orphanet 475, MedGen C5979921, MONDO:0018772.
Meckel-Gruber syndrome. Also called: Dysencephalia splachnocystica; DYSENCEPHALIA SPLANCHNOCYSTICA; GRUBER SYNDROME. Identifiers: Orphanet 564, MedGen C0265215, MONDO:0018921.
CEP290-related disorder. Also called: CEP290-related condition; CEP290-related disorders. Identifiers: MedGen CN239314.

gnomAD v4.1: 3 of 1,609,318 alleles (0.00019%); highest among the groups gnomAD compares: African/African-American, 0.0013%; no homozygotes.

Submissions (2):

PreventionGenetics, part of Exact Sciences
Classification: Uncertain significance for CEP290-related condition. Last evaluated: 2026-06-16. Review status: criteria provided, single submitter. Criteria: ACMG Guidelines, 2015. Collection method: clinical testing. Allele origin: germline.
Comment: The CEP290 c.2705C>T variant is predicted to result in the amino acid substitution p.Thr902Ile. To our knowledge, this variant has not been reported in the literature. This variant is reported in 0.0066% of alleles in individuals of African descent in gnomAD. At this time, the clinical significance of this variant is uncertain due to the absence of conclusive functional and genetic evidence.

Labcorp Genetics (formerly Invitae), Labcorp
Classification: Uncertain significance for Joubert syndrome; Meckel-Gruber syndrome; Nephronophthisis. Last evaluated: 2025-03-07. Review status: criteria provided, single submitter. Criteria: Invitae Variant Classification Sherloc (09022015). Collection method: clinical testing. Allele origin: germline.
Comment: This sequence change replaces threonine, which is neutral and polar, with isoleucine, which is neutral and non-polar, at codon 902 of the CEP290 protein (p.Thr902Ile). This variant is present in population databases (rs376876422, gnomAD 0.007%). This variant has not been reported in the literature in individuals affected with CEP290-related conditions. An algorithm developed to predict the effect of missense changes on protein structure and function outputs the following: PolyPhen-2: "Possibly Damaging". The isoleucine amino acid residue is found in multiple mammalian species, which suggests that this missense change does not adversely affect protein function. In summary, the available evidence is currently insufficient to determine the role of this variant in disease. Therefore, it has been classified as a Variant of Uncertain Significance.

NM_025114.4(CEP290):c.2705C>T (p.Thr902Ile)

Gene: CEP290 (centrosomal protein 290; minus strand). Cytogenetic location: 12q21.32.
Variant type: single nucleotide variant.
Coding change: c.2705C>T on transcript NM_025114.4 (MANE Select); coding-DNA position 2705, C replaced by T.
Protein change: p.Thr902Ile; replaces threonine 902 with isoleucine.
Molecular consequence: missense variant.
Genome position (GRCh38, 1-based): chr12:88,106,787, G>A on the plus strand (C>T on the coding strand, the complement: CEP290 is on the minus strand). VCF-style: chr12-88106787-G-A. GRCh37 (hg19) VCF-style: chr12-88500564-G-A.
Other names: c.2705C>T (NM_025114.3); short protein forms T902I.
Identifiers: ClinVar variation 4790567 (VCV004790567.2).